The following is an entry in ClinVar:

NM_000057.4(BLM):c.601A>G (p.Thr201Ala)

Gene: BLM (BLM RecQ like helicase; plus strand). Cytogenetic location: 15q26.1.
Variant type: single nucleotide variant.
Coding change: c.601A>G on transcript NM_000057.4 (MANE Select); coding-DNA position 601, A replaced by G.
Protein change: p.Thr201Ala; replaces threonine 201 with alanine.
Molecular consequence: missense variant. On other transcripts: 5 prime UTR variant (1).
Genome position (GRCh38, 1-based): chr15:90,749,869, A>G. VCF-style: chr15-90749869-A-G. GRCh37 (hg19) VCF-style: chr15-91293099-A-G.
Other names: c.601A>G, p.Thr201Ala (NM_001287246.2, NM_001287247.2); c.-691A>G (NM_001287248.2); c.601A>G (NM_000057.2); short protein forms T201A.
Identifiers: ClinVar variation 940558 (VCV000940558.11), dbSNP rs1895627520, ClinGen allele CA393841147.

ClinVar aggregate classification (germline): Conflicting classifications of pathogenicity. Review status: criteria provided, conflicting classifications (1 of 4 stars). 2 submissions from 2 submitters: Uncertain significance (1); Likely benign (1). Last evaluated 2025-02-28.

Conditions:
Hereditary cancer-predisposing syndrome. Also called: Hereditary neoplastic syndrome; Neoplastic Syndromes, Hereditary; Tumor predisposition; Hereditary Cancer Syndrome. Identifiers: Orphanet 140162, MedGen C0027672, MeSH D009386, MONDO:0015356.
Bloom syndrome (BLM). Also called: Bloom-Torre-Machacek syndrome. Identifiers: Orphanet 125, MedGen C0005859, MONDO:0008876, OMIM 210900.

Submissions (2):

Ambry Genetics
Classification: Likely benign for Hereditary cancer-predisposing syndrome. Last evaluated: 2025-02-28. Review status: criteria provided, single submitter. Criteria: Ambry Variant Classification Scheme 2023. Collection method: clinical testing. Allele origin: germline.

Labcorp Genetics (formerly Invitae), Labcorp
Classification: Uncertain significance for Bloom syndrome. Last evaluated: 2024-02-15. Review status: criteria provided, single submitter. Criteria: Invitae Variant Classification Sherloc (09022015). Collection method: clinical testing. Allele origin: germline.
Comment: This sequence change replaces threonine, which is neutral and polar, with alanine, which is neutral and non-polar, at codon 201 of the BLM protein (p.Thr201Ala). This variant is not present in population databases (gnomAD no frequency). This variant has not been reported in the literature in individuals affected with BLM-related conditions. ClinVar contains an entry for this variant (Variation ID: 940558). Algorithms developed to predict the effect of missense changes on protein structure and function output the following: SIFT: "Not Available"; PolyPhen-2: "Benign"; Align-GVGD: "Not Available". The alanine amino acid residue is found in multiple mammalian species, which suggests that this missense change does not adversely affect protein function. In summary, the available evidence is currently insufficient to determine the role of this variant in disease. Therefore, it has been classified as a Variant of Uncertain Significance.